The following is an entry in ClinVar:

ClinVar aggregate classification (germline): Uncertain significance (1 of 4 stars; one submission).

Conditions:
Candidiasis, familial, 9 (CANDF9). Identifiers: Orphanet 1334, MedGen C4225324, MONDO:0014642, OMIM 616445.

Submission:

Labcorp Genetics (formerly Invitae), Labcorp
Classification: Uncertain significance for Candidiasis, familial, 9. Last evaluated: 2023-11-19. Review status: criteria provided, single submitter. Criteria: Invitae Variant Classification Sherloc (09022015). Collection method: clinical testing. Allele origin: germline.
Comment: This sequence change creates a premature translational stop signal (p.Ala395Profs*39) in the IL17RC gene. It is expected to result in an absent or disrupted protein product. However, the current clinical and genetic evidence is not sufficient to establish whether loss-of-function variants in IL17RC cause disease. This variant is not present in population databases (gnomAD no frequency). This variant has not been reported in the literature in individuals affected with IL17RC-related conditions. In summary, the available evidence is currently insufficient to determine the role of this variant in disease. Therefore, it has been classified as a Variant of Uncertain Significance.

NM_153460.4(IL17RC):c.968_969insGC (p.Ala324fs)

Gene: IL17RC (interleukin 17 receptor C; plus strand). Cytogenetic location: 3p25.3.
Variant type: Insertion.
Coding change: c.968_969insGC on transcript NM_153460.4 (MANE Select); coding-DNA positions 968 to 969, GC inserted.
Protein change: p.Ala324fs; shifts the reading frame from alanine 324.
Molecular consequence: frameshift variant. On other transcripts: non-coding transcript variant (1).
Genome position: GRCh38 VCF-style: chr3-9928394-C-CCG. GRCh37 (hg19) VCF-style: chr3-9970078-C-CCG.
Other names: c.968_969insGC, p.Ala324fs (NM_001203263.2, NM_001203264.2); c.923_924insGC, p.Ala309fs (NM_001203265.2, NM_001367280.1, NM_001410711.1 and 1 more transcripts); c.929_930insGC, p.Ala311fs (NM_001367278.1); c.848_849insGC, p.Ala284fs (NM_001367279.1); c.1181_1182insGC, p.Ala395fs (NM_153461.4); short protein forms A324fs, A395fs, A284fs, A309fs, A311fs.
Identifiers: ClinVar variation 2993328 (VCV002993328.3), dbSNP rs2470308290, ClinGen allele CA2664364902.